The following is an entry in ClinVar:

ClinVar aggregate classification (germline): Uncertain significance (1 of 4 stars; one submission).

Conditions:
SPOP-related disorder. Also called: SPOP-related condition.

Submission:

3billion
Classification: Uncertain significance for SPOP-related disorder. Last evaluated: 2024-06-07. Review status: criteria provided, single submitter. Criteria: ACMG Guidelines, 2015. Collection method: clinical testing. Allele origin: germline. Affected: yes.
Comment: The variant is not observed in the gnomAD v4.0.0 dataset. Predicted Consequence/Location: Missense changes are a common disease-causing mechanism. Therefore, this variant is classified as VUS according to the recommendation of ACMG/AMP guideline.

NM_001007228.2(SPOP):c.351G>T (p.Met117Ile)

Gene: SPOP (speckle type BTB/POZ protein; minus strand). Cytogenetic location: 17q21.33.
Variant type: single nucleotide variant.
Coding change: c.351G>T on transcript NM_001007228.2 (MANE Select); coding-DNA position 351, G replaced by T.
Protein change: p.Met117Ile; replaces methionine 117 with isoleucine.
Molecular consequence: missense variant.
Genome position (GRCh38, 1-based): chr17:49,619,235, C>A on the plus strand (G>T on the coding strand, the complement: SPOP is on the minus strand). VCF-style: chr17-49619235-C-A. GRCh37 (hg19) VCF-style: chr17-47696597-C-A.
Other names: c.351G>T, p.Met117Ile (NM_001370730.1, NM_001370731.1, NM_001370732.1 and 5 more transcripts); short protein forms M117I.
Identifiers: ClinVar variation 4292288 (VCV004292288.1).
Genomic context (GRCh38, chr17:49,619,235, plus strand): 5'-CAGTGTATGAAACTTCTGGATGTGAAACTTAAGAGTTGAACAAAGAGGAGAACATTTACC[C>A]ATAGCTTTGGTTTCTTCTCCCTTGGCATTCAGGATGGAGAATTTGAATTTTGCCCGAACT-3'
Protein context (NP_001007229.1, residues 107-127): LNAKGEETKA[Met117Ile]ESQRAYRFVQ